The following is an entry in ClinVar:

ClinVar aggregate classification (germline): Uncertain significance. Review status: criteria provided, multiple submitters, no conflicts (2 of 4 stars). 2 submissions from 2 submitters: Uncertain significance (2). Last evaluated 2023-12-11.

Conditions:
Hypertrophic cardiomyopathy. Also called: HYPERTROPHIC MYOCARDIOPATHY. Identifiers: Orphanet 217569, MedGen C0007194, MeSH D002312, MONDO:0005045, HP:0001639.
Cardiomyopathy (CMYO). Also called: Cardiomyopathies. Identifiers: Orphanet 167848, MedGen C0878544, MONDO:0004994, HP:0001638. Inheritance: Various modes of inheritance.

Allele frequency attached by ClinVar (database versions not stated): gnomAD exomes below 0.00001.
gnomAD v4.1: 1 of 1,614,108 alleles (0.000062%); highest among the groups gnomAD compares: Non-Finnish European, 0.000085%; no homozygotes.

Submissions (2):

Labcorp Genetics (formerly Invitae), Labcorp
Classification: Uncertain significance for Hypertrophic cardiomyopathy. Last evaluated: 2023-12-11. Review status: criteria provided, single submitter. Criteria: Invitae Variant Classification Sherloc (09022015). Collection method: clinical testing. Allele origin: germline.
Comment: This sequence change falls in intron 6 of the MYH7 gene. It does not directly change the encoded amino acid sequence of the MYH7 protein. It affects a nucleotide within the consensus splice site. This variant is not present in population databases (gnomAD no frequency). This variant has not been reported in the literature in individuals affected with MYH7-related conditions. ClinVar contains an entry for this variant (Variation ID: 1172195). Variants that disrupt the consensus splice site are a relatively common cause of aberrant splicing (PMID: 17576681, 9536098). Algorithms developed to predict the effect of sequence changes on RNA splicing suggest that this variant is not likely to affect RNA splicing. In summary, the available evidence is currently insufficient to determine the role of this variant in disease. Therefore, it has been classified as a Variant of Uncertain Significance.

Color Diagnostics, LLC DBA Color Health
Classification: Uncertain significance for Cardiomyopathy. Last evaluated: 2021-11-04. Review status: criteria provided, single submitter. Criteria: ACMG Guidelines, 2015. Collection method: clinical testing. Allele origin: germline.
Comment: This variant causes a G to A nucleotide substitution at the +3 position of intron 6 of the MYH7 gene. Splice prediction tools suggest that this variant is unlikely to impact RNA splicing. To our knowledge, functional studies have not been reported for this variant. This variant has not been reported in individuals affected with cardiovascular disorders in the literature. This variant has not been identified in the general population by the Genome Aggregation Database (gnomAD). The available evidence is insufficient to determine the role of this variant in disease conclusively. Therefore, this variant is classified as a Variant of Uncertain Significance.

Literature cited by the submitters: PubMed 17576681 (cited by Labcorp Genetics (formerly Invitae), Labcorp); PubMed 9536098 (cited by Labcorp Genetics (formerly Invitae), Labcorp).

NM_000257.4(MYH7):c.530+3G>A

Gene: MYH7 (myosin heavy chain 7; minus strand). Cytogenetic location: 14q11.2.
Variant type: single nucleotide variant.
Coding change: c.530+3G>A on transcript NM_000257.4 (MANE Select); 3 bases into the intron after coding-DNA position 530, G replaced by A.
Molecular consequence: intron variant.
Genome position (GRCh38, 1-based): chr14:23,432,476, C>T on the plus strand (G>A on the coding strand, the complement: MYH7 is on the minus strand). VCF-style: chr14-23432476-C-T. GRCh37 (hg19) VCF-style: chr14-23901685-C-T.
Identifiers: ClinVar variation 1172195 (VCV001172195.9), dbSNP rs2138683909, ClinGen allele CA2499222598.